The following is an entry in ClinVar:

ClinVar aggregate classification (germline): Conflicting classifications of pathogenicity. Review status: criteria provided, conflicting classifications (1 of 4 stars). 2 submissions from 2 submitters: Pathogenic (1); Uncertain significance (1). Last evaluated 2021-07-01.

Conditions:
Hyper-IgM syndrome type 1. Also called: CD40 Ligand Deficiency; X-linked hyper-IgM syndrome; Immunodeficiency, X-linked, with hyper-IgM; Hyper-IgM Immunodeficiency Syndrome, Type 1. Identifiers: Orphanet 101088, MedGen C0398689, MONDO:0010626, OMIM 308230.

Submissions (2):

CeGaT Center for Human Genetics Tuebingen
Classification: Pathogenic. Last evaluated: 2021-07-01. Review status: criteria provided, single submitter. Criteria: CeGaT Center For Human Genetics Tuebingen Variant Classification Criteria Version 2. Collection method: clinical testing. Allele origin: germline. Affected: yes. Observed: 2 variant alleles.

Juno Genomics, Hangzhou Juno Genomics, Inc
Classification: Uncertain significance for Hyper-IgM syndrome type 1. Review status: criteria provided, single submitter. Criteria: ACMG Guidelines, 2015. Collection method: clinical testing. Allele origin: germline. Affected: yes.
Comment: Absent from controls (or at extremely low frequency if recessive) in Genome Aggregation Database, Exome Sequencing Project, 1000 Genomes Project, or Exome Aggregation Consortium.;Patient's phenotype or family history is highly specific for a disease with a single genetic etiology.;Multiple lines of computational evidence support a deleterious effect on the gene or gene product (conservation, evolutionary, splicing impact, etc).

NM_000074.3(CD40LG):c.687T>G (p.Phe229Leu)

Gene: CD40LG (CD40 ligand; plus strand). Cytogenetic location: Xq26.3.
Variant type: single nucleotide variant.
Coding change: c.687T>G on transcript NM_000074.3 (MANE Select); coding-DNA position 687, T replaced by G.
Protein change: p.Phe229Leu; replaces phenylalanine 229 with leucine.
Molecular consequence: missense variant.
Genome position (GRCh38, 1-based): chrX:136,659,316, T>G. VCF-style: chrX-136659316-T-G. GRCh37 (hg19) VCF-style: chrX-135741475-T-G.
Other names: short protein forms F229L.
Identifiers: ClinVar variation 1701614 (VCV001701614.33), dbSNP rs2148553785, ClinGen allele CA414756535.